The following is an entry in ClinVar:

NM_198253.3(TERT):c.319G>C (p.Ala107Pro)

Gene: TERT (telomerase reverse transcriptase; minus strand). Cytogenetic location: 5p15.33.
Variant type: single nucleotide variant.
Coding change: c.319G>C on transcript NM_198253.3 (MANE Select); coding-DNA position 319, G replaced by C.
Protein change: p.Ala107Pro; replaces alanine 107 with proline.
Molecular consequence: missense variant. On other transcripts: non-coding transcript variant (2).
Genome position (GRCh38, 1-based): chr5:1,294,567, C>G on the plus strand (G>C on the coding strand, the complement: TERT is on the minus strand). VCF-style: chr5-1294567-C-G. GRCh37 (hg19) VCF-style: chr5-1294682-C-G.
Other names: c.319G>C, p.Ala107Pro (NM_001193376.3); short protein forms A107P.
Identifiers: ClinVar variation 851464 (VCV000851464.10), dbSNP rs1751264625, ClinGen allele CA359058332.

ClinVar aggregate classification (germline): Uncertain significance (1 of 4 stars; one submission).

Conditions:
Dyskeratosis congenita, autosomal dominant 2. Identifiers: MedGen C3151443, MONDO:0013521, OMIM 613989.
Idiopathic Pulmonary Fibrosis. Also called: Idiopathic fibrosing alveolitis, chronic form; idiopathic fibrosing alveolitis. Identifiers: Orphanet 2032, MedGen C1800706, MeSH D054990, MONDO:0800504.

Submission:

Labcorp Genetics (formerly Invitae), Labcorp
Classification: Uncertain significance for Dyskeratosis congenita, autosomal dominant 2; Idiopathic Pulmonary Fibrosis. Last evaluated: 2021-04-20. Review status: criteria provided, single submitter. Criteria: Invitae Variant Classification Sherloc (09022015). Collection method: clinical testing. Allele origin: germline.
Comment: This sequence change replaces alanine with proline at codon 107 of the TERT protein (p.Ala107Pro). The alanine residue is weakly conserved and there is a small physicochemical difference between alanine and proline. This variant is not present in population databases (ExAC no frequency). This variant has not been reported in the literature in individuals with TERT-related conditions. Algorithms developed to predict the effect of missense changes on protein structure and function are either unavailable or do not agree on the potential impact of this missense change (SIFT: "Tolerated"; PolyPhen-2: "Probably Damaging"; Align-GVGD: "Class C0"). In summary, the available evidence is currently insufficient to determine the role of this variant in disease. Therefore, it has been classified as a Variant of Uncertain Significance.